The following is an entry in ClinVar:

ClinVar aggregate classification (germline): Uncertain significance (1 of 4 stars; one submission).

Allele frequency attached by ClinVar (database versions not stated): ExAC 0.00002; gnomAD exomes 0.00001; TOPMed 0.00001.

Submission:

Labcorp Genetics (formerly Invitae), Labcorp
Classification: Uncertain significance. Last evaluated: 2021-09-01. Review status: criteria provided, single submitter. Criteria: Invitae Variant Classification Sherloc (09022015). Collection method: clinical testing. Allele origin: germline.
Comment: This sequence change replaces leucine with phenylalanine at codon 166 of the NBAS protein (p.Leu166Phe). The leucine residue is highly conserved and there is a small physicochemical difference between leucine and phenylalanine. This variant is present in population databases (rs753282500, ExAC 0.003%). This variant has not been reported in the literature in individuals affected with NBAS-related conditions. Algorithms developed to predict the effect of missense changes on protein structure and function are either unavailable or do not agree on the potential impact of this missense change (SIFT: "Deleterious"; PolyPhen-2: "Possibly Damaging"; Align-GVGD: "Class C15"). In summary, the available evidence is currently insufficient to determine the role of this variant in disease. Therefore, it has been classified as a Variant of Uncertain Significance.

NM_015909.4(NBAS):c.496C>T (p.Leu166Phe)

Gene: NBAS (NBAS subunit of NRZ tethering complex; minus strand). Cytogenetic location: 2p24.3.
Variant type: single nucleotide variant.
Coding change: c.496C>T on transcript NM_015909.4 (MANE Select); coding-DNA position 496, C replaced by T.
Protein change: p.Leu166Phe; replaces leucine 166 with phenylalanine.
Molecular consequence: missense variant. On other transcripts: non-coding transcript variant (1).
Genome position (GRCh38, 1-based): chr2:15,539,240, G>A on the plus strand (C>T on the coding strand, the complement: NBAS is on the minus strand). VCF-style: chr2-15539240-G-A. GRCh37 (hg19) VCF-style: chr2-15679364-G-A.
Other names: short protein forms L166F.
Identifiers: ClinVar variation 1482669 (VCV001482669.5), dbSNP rs753282500, ClinGen allele CA1537044.